The following is an entry in ClinVar:

NM_025216.3(WNT10A):c.354T>A (p.Tyr118Ter)

Gene: WNT10A (Wnt family member 10A; plus strand). Cytogenetic location: 2q35.
Variant type: single nucleotide variant.
Coding change: c.354T>A on transcript NM_025216.3 (MANE Select); coding-DNA position 354, T replaced by A.
Protein change: p.Tyr118Ter; replaces tyrosine 118 with a stop codon.
Molecular consequence: nonsense.
Genome position (GRCh38, 1-based): chr2:218,882,401, T>A. VCF-style: chr2-218882401-T-A. GRCh37 (hg19) VCF-style: chr2-219747123-T-A.
Other names: short protein forms Y118*.
Identifiers: ClinVar variation 1453389 (VCV001453389.8), dbSNP rs2106011732, ClinGen allele CA350619299.
Genomic context (GRCh38, chr2:218,882,401, plus strand): 5'-CCAATTCAGGGACCAGCGCTGGAACTGCTCAAGCCTGGAGACTCGCAACAAGATCCCCTA[T>A]GAGAGTCCCATCTTCAGCAGAGGTAGCTGCCCCTCACCCCTGCCCCTGCCTGCCCCATCC-3'

ClinVar aggregate classification (germline): Pathogenic (1 of 4 stars; one submission).

Conditions:
Odonto-onycho-dermal dysplasia. Identifiers: Orphanet 2721, MedGen C0796093, MONDO:0009773, OMIM 257980.
Tooth agenesis, selective, 4 (STHAG4). Also called: SUCCEDANEOUS TEETH, AGENESIS OF; LATERAL INCISORS, ABSENCE OF; LATERAL INCISORS, PEGGED OR MISSING; TOOTH AGENESIS, SELECTIVE, 4, WITH OR WITHOUT ECTODERMAL DYSPLASIA. Identifiers: Orphanet 99798, MedGen C1835492, MONDO:0007881, OMIM 150400. Disease mechanism: loss of function.

Submission:

Labcorp Genetics (formerly Invitae), Labcorp
Classification: Pathogenic for Tooth agenesis, selective, 4; Odonto-onycho-dermal dysplasia. Last evaluated: 2020-12-12. Review status: criteria provided, single submitter. Criteria: Invitae Variant Classification Sherloc (09022015). Collection method: clinical testing. Allele origin: germline.
Comment: This sequence change creates a premature translational stop signal (p.Tyr118*) in the WNT10A gene. It is expected to result in an absent or disrupted protein product. Loss-of-function variants in WNT10A are known to be pathogenic (PMID: 17847007, 22581971, 25629078). This variant is not present in population databases (ExAC no frequency). This variant has been observed in individual(s) with clinical features of ectodermal dysplasia (PMID: 27657131). For these reasons, this variant has been classified as Pathogenic.

Literature cited by the submitters: PubMed 17847007; PubMed 22581971; PubMed 25629078; PubMed 27657131.